The following is an entry in ClinVar:

ClinVar aggregate classification (germline): Pathogenic (1 of 4 stars; one submission).

Conditions:
Cardiovascular phenotype. Identifiers: MedGen CN230736.

Submission:

Ambry Genetics
Classification: Pathogenic for Cardiovascular phenotype. Last evaluated: 2025-09-17. Review status: criteria provided, single submitter. Criteria: Ambry Variant Classification Scheme 2023. Collection method: clinical testing. Allele origin: germline.
Comment: The c.421_422insG pathogenic mutation, located in coding exon 2 of the NKX2-5 gene, results from an insertion of one nucleotide at position 421, causing a translational frameshift with a predicted alternate stop codon (p.P141Rfs*12). This alteration occurs at the 3' terminus of the gene, is not expected to trigger nonsense-mediated mRNA decay, and impacts the last 57% of the protein. However, premature stop codons are typically deleterious in nature and a significant portion of the protein is affected (Ambry internal data). This variant was reported in individual(s) with features consistent with NKX2-5-related congenital heart disease (Ambry internal data). This variant is considered to be rare based on population cohorts in the Genome Aggregation Database (gnomAD). Based on the supporting evidence, this variant is interpreted as a disease-causing mutation.

NM_004387.4(NKX2-5):c.421_422insG (p.Pro141fs)

Gene: NKX2-5 (NK2 homeobox 5; minus strand). Cytogenetic location: 5q35.1.
Variant type: Insertion.
Coding change: c.421_422insG on transcript NM_004387.4 (MANE Select); coding-DNA positions 421 to 422, G inserted.
Protein change: p.Pro141fs; shifts the reading frame from proline 141.
Molecular consequence: frameshift variant. On other transcripts: 3 prime UTR variant (2).
Genome position: GRCh38 VCF-style: chr5-173233122-G-GC. GRCh37 (hg19) VCF-style: chr5-172660125-G-GC.
Other names: c.*374_*375insG (NM_001166175.2); c.*220_*221insG (NM_001166176.2); short protein forms P141fs.
Identifiers: ClinVar variation 4614700 (VCV004614700.1).